The following is an entry in ClinVar:

ClinVar aggregate classification (germline): Likely benign. Review status: criteria provided, multiple submitters, no conflicts (2 of 4 stars). 2 submissions from 2 submitters: Likely benign (2). Last evaluated 2023-05-01.

Allele frequency attached by ClinVar (database versions not stated): gnomAD exomes 0.00001.
gnomAD v4.1: 8 of 1,614,216 alleles (0.0005%); highest among the groups gnomAD compares: Non-Finnish European, 0.00068%; no homozygotes.

Submissions (2):

CeGaT Center for Human Genetics Tuebingen
Classification: Likely benign. Last evaluated: 2023-05-01. Review status: criteria provided, single submitter. Criteria: CeGaT Center For Human Genetics Tuebingen Variant Classification Criteria Version 2. Collection method: clinical testing. Allele origin: germline. Affected: yes. Observed: 1 variant allele.
Comment: TG: PM2:Supporting, BP4, BP7

Labcorp Genetics (formerly Invitae), Labcorp
Classification: Likely benign. Last evaluated: 2023-01-13. Review status: criteria provided, single submitter. Criteria: Invitae Variant Classification Sherloc (09022015). Collection method: clinical testing. Allele origin: germline.

NM_003235.5(TG):c.2031T>G (p.Pro677=)

Gene: TG (thyroglobulin; plus strand). Cytogenetic location: 8q24.22.
Variant type: single nucleotide variant.
Coding change: c.2031T>G on transcript NM_003235.5 (MANE Select); coding-DNA position 2031, T replaced by G.
Protein change: p.Pro677=; no amino-acid change (proline 677 retained).
Molecular consequence: synonymous variant.
Genome position (GRCh38, 1-based): chr8:132,887,403, T>G. VCF-style: chr8-132887403-T-G. GRCh37 (hg19) VCF-style: chr8-133899648-T-G.
Identifiers: ClinVar variation 2658828 (VCV002658828.27), dbSNP rs2489831351, ClinGen allele CA463216533.